The following is an entry in ClinVar:

NM_020800.3(IFT80):c.778-4C>T

Genes: IFT80 (intraflagellar transport 80; minus strand), TRIM59-IFT80 (TRIM59-IFT80 readthrough (NMD candidate); minus strand). Cytogenetic location: 3q25.33.
Variant type: single nucleotide variant.
Coding change: c.778-4C>T on transcript NM_020800.3 (MANE Select); 4 bases into the intron before coding-DNA position 778, C replaced by T.
Molecular consequence: intron variant.
Genome position (GRCh38, 1-based): chr3:160,319,943, G>A on the plus strand (C>T on the coding strand, the complement: IFT80 is on the minus strand). VCF-style: chr3-160319943-G-A. GRCh37 (hg19) VCF-style: chr3-160037731-G-A.
Other names: c.778-4C>T (NM_020800.2); c.367-4C>T (NM_001190241.2, NM_001190242.2).
Identifiers: ClinVar variation 1101383 (VCV001101383.11), dbSNP rs760577994, ClinGen allele CA2685346.

ClinVar aggregate classification (germline): Likely benign. Review status: criteria provided, single submitter (1 of 4 stars). 2 submissions from 2 submitters: Likely benign (1). 1 of the submissions does not count toward it. Last evaluated 2025-01-08.

Conditions:
Jeune thoracic dystrophy. Also called: Short-rib thoracic dysplasia; Jeune syndrome; Infantile thoracic dystrophy; Thoracic pelvic phalangeal dystrophy; Jeune's syndrome; Chondroectodermal dysplasia-like syndrome. Identifiers: Orphanet 474, MedGen C0265275, MONDO:0018770.
IFT80-related disorder. Also called: IFT80-related condition.

gnomAD v4.1: 19 of 1,607,158 alleles (0.0012%); highest among the groups gnomAD compares: Non-Finnish European, 0.0016%; no homozygotes.

Submissions (2):

Labcorp Genetics (formerly Invitae), Labcorp
Classification: Likely benign for Jeune thoracic dystrophy. Last evaluated: 2025-01-08. Review status: criteria provided, single submitter. Criteria: Invitae Variant Classification Sherloc (09022015). Collection method: clinical testing. Allele origin: germline.

PreventionGenetics, part of Exact Sciences
Classification: Likely benign for IFT80-related condition. Last evaluated: 2019-05-04. Review status: no assertion criteria provided. Collection method: clinical testing. Allele origin: germline. Not counted in ClinVar's aggregate classification.
Comment: This variant is classified as likely benign based on ACMG/AMP sequence variant interpretation guidelines (Richards et al. 2015 PMID: 25741868, with internal and published modifications).